The following is an entry in ClinVar:

NM_001171.6(ABCC6):c.2335C>A (p.Pro779Thr)

Gene: ABCC6 (ATP binding cassette subfamily C member 6; minus strand). Cytogenetic location: 16p13.11.
Variant type: single nucleotide variant.
Coding change: c.2335C>A on transcript NM_001171.6 (MANE Select); coding-DNA position 2335, C replaced by A.
Protein change: p.Pro779Thr; replaces proline 779 with threonine.
Molecular consequence: missense variant. On other transcripts: non-coding transcript variant (1).
Genome position (GRCh38, 1-based): chr16:16,178,878, G>T on the plus strand (C>A on the coding strand, the complement: ABCC6 is on the minus strand). VCF-style: chr16-16178878-G-T. GRCh37 (hg19) VCF-style: chr16-16272735-G-T.
Other names: c.1993C>A, p.Pro665Thr (NM_001351800.1); short protein forms P779T, P665T.
Identifiers: ClinVar variation 2149747 (VCV002149747.3), dbSNP rs1419792820, ClinGen allele CA394888029.
Genomic context (GRCh38, chr16:16,178,878, plus strand): 5'-CAGGCCCAATGACCTGGTTGAAGACATGCTGGCCAACGTGGGCATCCAGGGCCGCCAGGG[G>T]GTCATCCAGCAGGTACACAGCTGCCTTTCTGTATACAGCCCGGGCCAGGCTCAGCCGCTG-3'
Protein context (NP_001162.5, residues 769-789): RKAAVYLLDD[Pro779Thr]LAALDAHVGQ

ClinVar aggregate classification (germline): Uncertain significance. Review status: criteria provided, multiple submitters, no conflicts (2 of 4 stars). 2 submissions from 2 submitters: Uncertain significance (2). Last evaluated 2024-04-04.

Conditions:
Pseudoxanthoma elasticum, forme fruste. Also called: Pseudoxanthoma Elasticum, Incomplete; PSEUDOXANTHOMA ELASTICUM, HETEROZYGOUS. Identifiers: Orphanet 758, MedGen C1867450, MONDO:0008333, OMIM 177850.
Autosomal recessive inherited pseudoxanthoma elasticum (PXE). Identifiers: Orphanet 758, MedGen CN032334, MONDO:0009925, OMIM 264800.
Arterial calcification, generalized, of infancy, 2. Identifiers: Orphanet 51608, MedGen C3276161, MONDO:0013768, OMIM 614473.

Allele frequency attached by ClinVar (database versions not stated): TOPMed below 0.00001.
gnomAD v4.1: 4 of 1,613,906 alleles (0.00025%); highest among the groups gnomAD compares: Admixed American, 0.0033%; no homozygotes.

Submissions (2):

Fulgent Genetics
Classification: Uncertain significance for Pseudoxanthoma elasticum, forme fruste; Autosomal recessive inherited pseudoxanthoma elasticum; Arterial calcification, generalized, of infancy, 2. Last evaluated: 2024-04-04. Review status: criteria provided, single submitter. Criteria: ACMG Guidelines, 2015. Collection method: clinical testing. Allele origin: germline.

Labcorp Genetics (formerly Invitae), Labcorp
Classification: Uncertain significance. Last evaluated: 2022-05-14. Review status: criteria provided, single submitter. Criteria: Invitae Variant Classification Sherloc (09022015). Collection method: clinical testing. Allele origin: germline.
Comment: This sequence change replaces proline, which is neutral and non-polar, with threonine, which is neutral and polar, at codon 779 of the ABCC6 protein (p.Pro779Thr). This variant is present in population databases (no rsID available, gnomAD 0.006%). This variant has not been reported in the literature in individuals affected with ABCC6-related conditions. Advanced modeling of protein sequence and biophysical properties (such as structural, functional, and spatial information, amino acid conservation, physicochemical variation, residue mobility, and thermodynamic stability) performed at Invitae indicates that this missense variant is expected to disrupt ABCC6 protein function. In summary, the available evidence is currently insufficient to determine the role of this variant in disease. Therefore, it has been classified as a Variant of Uncertain Significance.